The following is an entry in ClinVar:

ClinVar aggregate classification (germline): Uncertain significance (1 of 4 stars; one submission).

Submission:

CeGaT Center for Human Genetics Tuebingen
Classification: Uncertain significance. Last evaluated: 2026-01-01. Review status: criteria provided, single submitter. Criteria: CeGaT Center For Human Genetics Tuebingen Variant Classification Criteria Version 2. Collection method: clinical testing. Allele origin: germline. Affected: yes. Observed: 1 variant allele.
Comment: MYT1L: PM2, PP2

NM_001303052.2(MYT1L):c.3245T>G (p.Met1082Arg)

Gene: MYT1L (myelin transcription factor 1 like; minus strand). Cytogenetic location: 2p25.3.
Variant type: single nucleotide variant.
Coding change: c.3245T>G on transcript NM_001303052.2 (MANE Select); coding-DNA position 3245, T replaced by G.
Protein change: p.Met1082Arg; replaces methionine 1082 with arginine.
Molecular consequence: missense variant.
Genome position (GRCh38, 1-based): chr2:1,801,727, A>C on the plus strand (T>G on the coding strand, the complement: MYT1L is on the minus strand). VCF-style: chr2-1801727-A-C. GRCh37 (hg19) VCF-style: chr2-1805499-A-C.
Other names: c.3245T>G, p.Met1082Arg (NM_001329844.2, NM_001329845.1, NM_001329851.3); c.3239T>G, p.Met1080Arg (NM_001329846.3, NM_001329847.2, NM_001329848.1 and 3 more transcripts); short protein forms M1080R, M1082R.
Identifiers: ClinVar variation 4823113 (VCV004823113.4).
Genomic context (GRCh38, chr2:1,801,727, plus strand): 5'-CTAAAATTGAGGGCTTCAAAAACTGTTACCTGAGTTCTGAGTTTAATCATATCGGCTTCC[A>C]TCTGGGAATTGGATTCATTTAGCTCCTTGATTTCTTCATCTAACTGTTTGATTTCTTCAT-3'
Protein context (NP_001289981.1, residues 1072-1092): IKELNESNSQ[Met1082Arg]EADMIKLRTQ